The following is an entry in ClinVar:

ClinVar aggregate classification (germline): Uncertain significance (1 of 4 stars; one submission).

Submission:

GeneDx
Classification: Uncertain significance. Last evaluated: 2023-01-05. Review status: criteria provided, single submitter. Criteria: GeneDx Variant Classification Process June 2021. Collection method: clinical testing. Allele origin: germline. Affected: yes.
Comment: Not observed in large population cohorts (gnomAD); Has not been previously published as pathogenic or benign to our knowledge; In silico analysis supports that this missense variant has a deleterious effect on protein structure/function

NM_006005.3(WFS1):c.2330T>G (p.Ile777Ser)

Gene: WFS1 (wolframin ER transmembrane glycoprotein; plus strand). Cytogenetic location: 4p16.1.
Variant type: single nucleotide variant.
Coding change: c.2330T>G on transcript NM_006005.3 (MANE Select); coding-DNA position 2330, T replaced by G.
Protein change: p.Ile777Ser; replaces isoleucine 777 with serine.
Molecular consequence: missense variant.
Genome position (GRCh38, 1-based): chr4:6,302,125, T>G. VCF-style: chr4-6302125-T-G. GRCh37 (hg19) VCF-style: chr4-6303852-T-G.
Other names: c.2330T>G, p.Ile777Ser (NM_001145853.1); short protein forms I777S.
Identifiers: ClinVar variation 1317056 (VCV001317056.3), dbSNP rs1215314749, ClinGen allele CA356178380.